The following is an entry in ClinVar:

NM_139319.3(SLC17A8):c.1031T>C (p.Val344Ala)

Gene: SLC17A8 (solute carrier family 17 member 8; plus strand). Cytogenetic location: 12q23.1.
Variant type: single nucleotide variant.
Coding change: c.1031T>C on transcript NM_139319.3 (MANE Select); coding-DNA position 1031, T replaced by C.
Protein change: p.Val344Ala; replaces valine 344 with alanine.
Molecular consequence: missense variant. On other transcripts: intron variant (1).
Genome position (GRCh38, 1-based): chr12:100,402,723, T>C. VCF-style: chr12-100402723-T-C. GRCh37 (hg19) VCF-style: chr12-100796501-T-C.
Other names: c.903+244T>C (NM_001145288.2); short protein forms V344A.
Identifiers: ClinVar variation 4631025 (VCV004631025.3).

ClinVar aggregate classification (germline): Uncertain significance. Review status: criteria provided, multiple submitters, no conflicts (2 of 4 stars). 2 submissions from 2 submitters: Uncertain significance (2). Last evaluated 2025-09-22.

Conditions:
Inborn genetic diseases. Identifiers: MedGen C0950123, MeSH D030342.

gnomAD v4.1: 8 of 1,613,870 alleles (0.0005%); highest among the groups gnomAD compares: African/African-American, 0.011%; no homozygotes.

Submissions (2):

Ambry Genetics
Classification: Uncertain significance for Inborn genetic diseases. Last evaluated: 2025-09-22. Review status: criteria provided, single submitter. Criteria: Ambry Variant Classification Scheme 2023. Collection method: clinical testing. Allele origin: germline.

Dasa
Classification: Uncertain significance. Last evaluated: 2024-12-26. Review status: criteria provided, single submitter. Criteria: DASA Assertion Criteria. Collection method: clinical testing. Allele origin: germline.
Comment: NM_139319.3(SLC17A8):c.1031T>C (p.Val344Ala) is a missense variant that results in the substitution of valine with alanine. This variant is rare in population databases. The currently available literature and clinical evidence are not sufficient to establish a definitive association between this variant and the reported condition. Therefore, this variant is classified as a variant of uncertain significance.